The following is an entry in ClinVar:

NM_198586.3(NHLRC1):c.754C>T (p.Arg252Trp)

Gene: NHLRC1 (NHL repeat containing E3 ubiquitin protein ligase 1; minus strand). Cytogenetic location: 6p22.3.
Variant type: single nucleotide variant.
Coding change: c.754C>T on transcript NM_198586.3 (MANE Select); coding-DNA position 754, C replaced by T.
Protein change: p.Arg252Trp; replaces arginine 252 with tryptophan.
Molecular consequence: missense variant.
Genome position (GRCh38, 1-based): chr6:18,121,853, G>A on the plus strand (C>T on the coding strand, the complement: NHLRC1 is on the minus strand). VCF-style: chr6-18121853-G-A. GRCh37 (hg19) VCF-style: chr6-18122084-G-A.
Other names: short protein forms R252W.
Identifiers: ClinVar variation 851311 (VCV000851311.10), dbSNP rs1244886517, ClinGen allele CA362826224.

ClinVar aggregate classification (germline): Uncertain significance (1 of 4 stars; one submission).

Conditions:
Lafora disease. Also called: Epilepsy progressive myoclonic 2; Progressive Myoclonus Epilepsy, Lafora Type. Identifiers: Orphanet 501, MedGen C0751783, MONDO:0009697.

gnomAD v4.1: 1 of 1,614,054 alleles (0.000062%); highest among the groups gnomAD compares: Non-Finnish European, 0.000085%; no homozygotes.

Submission:

Labcorp Genetics (formerly Invitae), Labcorp
Classification: Uncertain significance for Lafora disease. Last evaluated: 2019-02-04. Review status: criteria provided, single submitter. Criteria: Invitae Variant Classification Sherloc (09022015). Collection method: clinical testing. Allele origin: germline.
Comment: This variant is not present in population databases (ExAC no frequency). In summary, the available evidence is currently insufficient to determine the role of this variant in disease. Therefore, it has been classified as a Variant of Uncertain Significance. Algorithms developed to predict the effect of missense changes on protein structure and function (SIFT, PolyPhen-2, Align-GVGD) all suggest that this variant is likely to be disruptive, but these predictions have not been confirmed by published functional studies and their clinical significance is uncertain. This variant has not been reported in the literature in individuals with NHLRC1-related conditions. This sequence change replaces arginine with tryptophan at codon 252 of the NHLRC1 protein (p.Arg252Trp). The arginine residue is moderately conserved and there is a moderate physicochemical difference between arginine and tryptophan.